The following is an entry in ClinVar:

NM_018847.4(KLHL9):c.11C>G (p.Ser4Cys)

Genes: KLHL9 (kelch like family member 9; minus strand), LOC130001592 (ATAC-STARR-seq lymphoblastoid active region 28237; plus strand). Cytogenetic location: 9p21.3.
Variant type: single nucleotide variant.
Coding change: c.11C>G on transcript NM_018847.4 (MANE Select); coding-DNA position 11, C replaced by G.
Protein change: p.Ser4Cys; replaces serine 4 with cysteine.
Molecular consequence: missense variant.
Genome position (GRCh38, 1-based): chr9:21,334,849, G>C on the plus strand (C>G on the coding strand, the complement: KLHL9 is on the minus strand). VCF-style: chr9-21334849-G-C. GRCh37 (hg19) VCF-style: chr9-21334848-G-C.
Other names: short protein forms S4C.
Identifiers: ClinVar variation 3605216 (VCV003605216.2).

ClinVar aggregate classification (germline): Uncertain significance (1 of 4 stars; one submission).

Submission:

Labcorp Genetics (formerly Invitae), Labcorp
Classification: Uncertain significance. Last evaluated: 2024-03-27. Review status: criteria provided, single submitter. Criteria: Invitae Variant Classification Sherloc (09022015). Collection method: clinical testing. Allele origin: germline.
Comment: This sequence change replaces serine, which is neutral and polar, with cysteine, which is neutral and slightly polar, at codon 4 of the KLHL9 protein (p.Ser4Cys). This variant is not present in population databases (gnomAD no frequency). This variant has not been reported in the literature in individuals affected with KLHL9-related conditions. An algorithm developed to predict the effect of missense changes on protein structure and function (PolyPhen-2) suggests that this variant is likely to be tolerated. In summary, the available evidence is currently insufficient to determine the role of this variant in disease. Therefore, it has been classified as a Variant of Uncertain Significance.